The following is an entry in ClinVar:

ClinVar aggregate classification (germline): Uncertain significance (1 of 4 stars; one submission).

gnomAD v4.1: 18 of 1,602,226 alleles (0.0011%); highest among the groups gnomAD compares: Non-Finnish European, 0.0015%; no homozygotes.

Submission:

Labcorp Genetics (formerly Invitae), Labcorp
Classification: Uncertain significance. Last evaluated: 2024-10-05. Review status: criteria provided, single submitter. Criteria: Invitae Variant Classification Sherloc (09022015). Collection method: clinical testing. Allele origin: germline.
Comment: This sequence change replaces leucine, which is neutral and non-polar, with valine, which is neutral and non-polar, at codon 1452 of the KMT2C protein (p.Leu1452Val). This variant is not present in population databases (gnomAD no frequency). This variant has not been reported in the literature in individuals affected with KMT2C-related conditions. Invitae Evidence Modeling of protein sequence and biophysical properties (such as structural, functional, and spatial information, amino acid conservation, physicochemical variation, residue mobility, and thermodynamic stability) indicates that this missense variant is not expected to disrupt KMT2C protein function with a negative predictive value of 80%. In summary, the available evidence is currently insufficient to determine the role of this variant in disease. Therefore, it has been classified as a Variant of Uncertain Significance.

NM_170606.3(KMT2C):c.4354C>G (p.Leu1452Val)

Gene: KMT2C (lysine methyltransferase 2C; minus strand). Cytogenetic location: 7q36.1.
Variant type: single nucleotide variant.
Coding change: c.4354C>G on transcript NM_170606.3 (MANE Select); coding-DNA position 4354, C replaced by G.
Protein change: p.Leu1452Val; replaces leucine 1452 with valine.
Molecular consequence: missense variant.
Genome position (GRCh38, 1-based): chr7:152,195,931, G>C on the plus strand (C>G on the coding strand, the complement: KMT2C is on the minus strand). VCF-style: chr7-152195931-G-C. GRCh37 (hg19) VCF-style: chr7-151893016-G-C.
Other names: short protein forms L1452V.
Identifiers: ClinVar variation 3718110 (VCV003718110.2).
Genomic context (GRCh38, chr7:152,195,931, plus strand): 5'-GAAACCAGAAAAAGGGTAAACAGTATTCATATATACCTGAATGATCAACTGATTTTGCTA[G>C]ATCATCTGAAATTATTCCAAGAATGTCATCATCTGTGTTTAAAACTTCAGAAATATCAGC-3'
Protein context (NP_733751.2, residues 1442-1462): DDILGIISDD[Leu1452Val]AKSVDHSDIG